The following is an entry in ClinVar:

NM_000787.4(DBH):c.757G>A (p.Val253Ile)

Gene: DBH (dopamine beta-hydroxylase; plus strand). Cytogenetic location: 9q34.2.
Variant type: single nucleotide variant.
Coding change: c.757G>A on transcript NM_000787.4 (MANE Select); coding-DNA position 757, G replaced by A.
Protein change: p.Val253Ile; replaces valine 253 with isoleucine.
Molecular consequence: missense variant.
Genome position (GRCh38, 1-based): chr9:133,643,425, G>A. VCF-style: chr9-133643425-G-A. GRCh37 (hg19) VCF-style: chr9-136508547-G-A.
Other names: c.757G>A (NM_000787.3); short protein forms V253I.
Identifiers: ClinVar variation 1378698 (VCV001378698.6), dbSNP rs527742213, ClinGen allele CA5313193.

ClinVar aggregate classification (germline): Conflicting classifications of pathogenicity. Review status: criteria provided, conflicting classifications (1 of 4 stars). 2 submissions from 2 submitters: Uncertain significance (1); Likely benign (1). Last evaluated 2022-03-23.

Conditions:
Inborn genetic diseases. Identifiers: MedGen C0950123, MeSH D030342.
Orthostatic hypotension 1 (ORTHYP1). Also called: Dopamine beta-hydroxylase deficiency; NORADRENALINE DEFICIENCY; NOREPINEPHRINE DEFICIENCY; Orthostatic hypotension 1, due to DBH deficiency. Identifiers: Orphanet 230, MedGen C4746777, MONDO:0009123, OMIM 223360.

Allele frequency attached by ClinVar (database versions not stated): 1000 Genomes Project 30x 0.00016; 1000 Genomes Project 0.00020; gnomAD exomes 0.00002 and 0.00003; ExAC 0.00003; TOPMed 0.00004; gnomAD 0.00006 and 0.00007.
gnomAD v4.1: 46 of 1,613,752 alleles (0.0029%); highest among the groups gnomAD compares: African/African-American, 0.008%; no homozygotes.

Submissions (2):

Ambry Genetics
Classification: Likely benign for Inborn genetic diseases. Last evaluated: 2022-03-23. Review status: criteria provided, single submitter. Criteria: Ambry Variant Classification Scheme 2023. Collection method: clinical testing. Allele origin: germline.

Labcorp Genetics (formerly Invitae), Labcorp
Classification: Uncertain significance for Orthostatic hypotension 1. Last evaluated: 2021-08-27. Review status: criteria provided, single submitter. Criteria: Invitae Variant Classification Sherloc (09022015). Collection method: clinical testing. Allele origin: germline.
Comment: This sequence change replaces valine with isoleucine at codon 253 of the DBH protein (p.Val253Ile). The valine residue is weakly conserved and there is a small physicochemical difference between valine and isoleucine. This variant is present in population databases (rs527742213, ExAC 0.01%). This variant has not been reported in the literature in individuals affected with DBH-related conditions. Algorithms developed to predict the effect of missense changes on protein structure and function output the following: SIFT: "Tolerated"; PolyPhen-2: "Benign"; Align-GVGD: "Class C0". The isoleucine amino acid residue is found in multiple mammalian species, which suggests that this missense change does not adversely affect protein function. In summary, the available evidence is currently insufficient to determine the role of this variant in disease. Therefore, it has been classified as a Variant of Uncertain Significance.